The following is an entry in ClinVar:

ClinVar aggregate classification (germline): Uncertain significance (1 of 4 stars; one submission).

Conditions:
Hereditary spastic paraplegia 62. Also called: Spastic paraplegia 62, autosomal recessive. Identifiers: Orphanet 401785, MedGen C4284588, MONDO:0014302, OMIM 615681.

Submission:

Labcorp Genetics (formerly Invitae), Labcorp
Classification: Uncertain significance for Hereditary spastic paraplegia 62. Last evaluated: 2022-05-23. Review status: criteria provided, single submitter. Criteria: Invitae Variant Classification Sherloc (09022015). Collection method: clinical testing. Allele origin: germline.
Comment: This variant is a gross deletion of the genomic region encompassing exon(s) 7-9 of the ERLIN1 gene. This deletion is out-of-frame, and is expected to create a premature translational stop signal and result in an absent or disrupted protein product. However, the current clinical and genetic evidence is not sufficient to establish whether loss-of-function variants in ERLIN1 cause disease. This variant has not been reported in the literature in individuals affected with ERLIN1-related conditions. In summary, the available evidence is currently insufficient to determine the role of this variant in disease. Therefore, it has been classified as a Variant of Uncertain Significance.

NC_000010.10:g.(?_101915882)_(101927183_?)del

Gene: ERLIN1 (ER lipid raft associated 1; minus strand). Cytogenetic location: 10q24.31.
Variant type: Deletion.
Identifiers: ClinVar variation 2425597 (VCV002425597.2).